The following is an entry in ClinVar:

NM_004958.4(MTOR):c.7150del (p.Thr2384fs)

Gene: MTOR (mechanistic target of rapamycin kinase; minus strand). Cytogenetic location: 1p36.22.
Variant type: Deletion.
Coding change: c.7150del on transcript NM_004958.4 (MANE Select); coding-DNA position 7150, one base deleted (A; older notation c.7150delA).
Protein change: p.Thr2384fs; shifts the reading frame from threonine 2384.
Molecular consequence: frameshift variant.
Genome position (GRCh38, 1-based): chr1:11,114,827, T deleted on the plus strand (A on the coding strand, the reverse complement: MTOR is on the minus strand). VCF-style (leftmost placement, unchanged base first): chr1-11114826-GT-G. GRCh37 (hg19) VCF-style: chr1-11174883-GT-G.
Other names: c.7150del, p.Thr2384fs (NM_001386500.1); c.5902del, p.Thr1968fs (NM_001386501.1); short protein forms T2384fs, T1968fs.
Identifiers: ClinVar variation 2004132 (VCV002004132.4), dbSNP rs2522078252, ClinGen allele CA2580060489.

ClinVar aggregate classification (germline): Uncertain significance (1 of 4 stars; one submission).

Submission:

Labcorp Genetics (formerly Invitae), Labcorp
Classification: Uncertain significance. Last evaluated: 2022-06-09. Review status: criteria provided, single submitter. Criteria: Invitae Variant Classification Sherloc (09022015). Collection method: clinical testing. Allele origin: germline.
Comment: In summary, the available evidence is currently insufficient to determine the role of this variant in disease. Therefore, it has been classified as a Variant of Uncertain Significance. This variant has not been reported in the literature in individuals affected with MTOR-related conditions. This variant is not present in population databases (gnomAD no frequency). This sequence change creates a premature translational stop signal (p.Thr2384Profs*20) in the MTOR gene. It is expected to result in an absent or disrupted protein product. However, the current clinical and genetic evidence is not sufficient to establish whether loss-of-function variants in MTOR cause disease.